The following is an entry in ClinVar:

NC_000001.10:g.(?_235597499)_(235597615_?)del

Gene: TBCE (tubulin folding cofactor E; plus strand). Cytogenetic location: 1q42.3.
Variant type: Deletion.
Identifiers: ClinVar variation 2424652 (VCV002424652.3).

ClinVar aggregate classification (germline): Pathogenic (1 of 4 stars; one submission).

Submission:

Labcorp Genetics (formerly Invitae), Labcorp
Classification: Pathogenic. Last evaluated: 2023-01-29. Review status: criteria provided, single submitter. Criteria: Invitae Variant Classification Sherloc (09022015). Collection method: clinical testing. Allele origin: germline.
Comment: For these reasons, this variant has been classified as Pathogenic. This variant has not been reported in the literature in individuals affected with TBCE-related conditions. This variant is a gross deletion of the genomic region encompassing exon(s) 8 of the TBCE gene. This deletion is out-of-frame, and is expected to create a premature termination codon and result in an absent or disrupted protein product. Loss-of-function variants in TBCE are known to be pathogenic (PMID: 27666369, 34134906, 34356170).

Literature cited by the submitters: PubMed 27666369; PubMed 34134906; PubMed 34356170.